The following is an entry in ClinVar:

ClinVar aggregate classification (germline): Pathogenic (1 of 4 stars; one submission).

Conditions:
Gaze palsy, familial horizontal, with progressive scoliosis 1 (HGPPS1). Identifiers: Orphanet 2744, MedGen C4551964, MONDO:0020790, OMIM 607313.

Submission:

Victorian Clinical Genetics Services, Murdoch Childrens Research Institute
Classification: Pathogenic for Gaze palsy, familial horizontal, with progressive scoliosis 1. Last evaluated: 2021-05-06. Review status: criteria provided, single submitter. Criteria: ACMG Guidelines, 2015. Collection method: clinical testing. Allele origin: germline. Inheritance: Autosomal recessive inheritance. Affected: yes.
Comment: Based on the classification scheme VCGS_Germline_v1.3.4, this variant is classified as Pathogenic. Following criteria are met: 0102 - Loss of function is a known mechanism of disease in this gene and is associated with familial horizontal gaze palsy with progressive scoliosis 1 (MIM#607313). (I) 0106 - This gene is associated with autosomal recessive disease. (I) 0201 - Variant is predicted to cause nonsense-mediated decay (NMD) and loss of protein (premature termination codon is located at least 54 nucleotides upstream of the final exon-exon junction). (SP) 0251 - This variant is heterozygous. (I) 0304 - Variant is present in gnomAD <0.01 for a recessive condition (v2: 6 heterozygotes, 0 homozygotes). (SP) 0701 - Other NMD variants comparable to the one identified in this case have very strong previous evidence for pathogenicity (PMID: 32580277, ClinVar, DECIPHER). (SP) 0803 - This variant has limited previous evidence of pathogenicity in one consanguineous family with two homozygous siblings with horizontal gaze palsy with progressive scoliosis (PMID: 18829051). (SP) 0905 - No published segregation evidence has been identified for this variant. (I) 1007 - No published functional evidence has been identified for this variant. (I) 1208 - Inheritance information for this variant is not currently available in this individual. (I) Legend: (SP) - Supporting pathogenic, (I) - Information, (SB) - Supporting benign

Literature cited by the submitters: PubMed 18829051; PubMed 32580277.

NM_022370.4(ROBO3):c.571del (p.Arg191fs)

Gene: ROBO3 (roundabout guidance receptor 3; plus strand). Cytogenetic location: 11q24.2.
Variant type: Deletion.
Coding change: c.571del on transcript NM_022370.4 (MANE Select); coding-DNA position 571, one base deleted (C; older notation c.571delC).
Protein change: p.Arg191fs; shifts the reading frame from arginine 191.
Molecular consequence: frameshift variant.
Genome position (GRCh38, 1-based): chr11:124,869,533, C deleted; the last of 7 consecutive C bases (chr11:124,869,527-124,869,533); deleting any one gives the same sequence. VCF-style (leftmost placement, unchanged base first): chr11-124869526-GC-G. GRCh37 (hg19) VCF-style: chr11-124739422-GC-G.
Other names: short protein forms R191fs.
Identifiers: ClinVar variation 1804990 (VCV001804990.1), dbSNP rs756837590, ClinGen allele CA383136946.